The following is an entry in ClinVar:

NM_002691.4(POLD1):c.2821-34_2821-14del

Gene: POLD1 (DNA polymerase delta 1, catalytic subunit; plus strand). Cytogenetic location: 19q13.33.
Variant type: Deletion.
Coding change: c.2821-34_2821-14del on transcript NM_002691.4 (MANE Select); 34 bases into the intron before coding-DNA position 2821 through 14 bases into the intron before coding-DNA position 2821, 21 bases deleted (TGGCTGCCCGGGTGTGACTGC).
Molecular consequence: intron variant.
Genome position (GRCh38, 1-based): chr19:50,416,362-50,416,382, TGGCTGCCCGGGTGTGACTGC deleted; deleting any 21 consecutive bases within chr19:50,416,361-50,416,382 gives the same sequence; the c. name uses the placement nearest the transcript's 3' end. VCF-style (leftmost placement, unchanged base first): chr19-50416360-CCTGGCTGCCCGGGTGTGACTG-C. GRCh37 (hg19) VCF-style: chr19-50919617-CCTGGCTGCCCGGGTGTGACTG-C.
Other names: c.2821-34_2821-14del (NM_001256849.1); c.2899-34_2899-14del (NM_001308632.1).
Identifiers: ClinVar variation 3661848 (VCV003661848.2).

ClinVar aggregate classification (germline): Uncertain significance (1 of 4 stars; one submission).

Conditions:
POLD1-related polyposis and colorectal cancer syndrome (CRCS10). Also called: Colorectal cancer 10; COLORECTAL CANCER, SUSCEPTIBILITY TO, ON CHROMOSOME 19q; Colorectal cancer, susceptibility to, 10. Identifiers: Orphanet 220460, MedGen C2675481, MONDO:0012953, OMIM 612591.

Submission:

Labcorp Genetics (formerly Invitae), Labcorp
Classification: Uncertain significance for POLD1-related polyposis and colorectal cancer syndrome. Last evaluated: 2024-08-09. Review status: criteria provided, single submitter. Criteria: Invitae Variant Classification Sherloc (09022015). Collection method: clinical testing. Allele origin: germline.
Comment: This sequence change falls in intron 22 of the POLD1 gene. It does not directly change the encoded amino acid sequence of the POLD1 protein. This variant is not present in population databases (gnomAD no frequency). This variant has not been reported in the literature in individuals affected with POLD1-related conditions. Experimental studies and prediction algorithms are not available or were not evaluated, and the effect of this variant on mRNA splicing is currently unknown. In summary, the available evidence is currently insufficient to determine the role of this variant in disease. Therefore, it has been classified as a Variant of Uncertain Significance.